The following is an entry in ClinVar:

ClinVar aggregate classification (germline): Benign. Review status: criteria provided, multiple submitters, no conflicts (2 of 4 stars). 10 submissions from 10 submitters: Benign (10). Last evaluated 2026-02-04.

Conditions:
Deficiency of butyryl-CoA dehydrogenase (ACADSD). Also called: SCADH DEFICIENCY; SCAD Deficiency; Short-Chain Acyl-CoA Dehydrogenase Deficiency; SCAD DEFICIENCY, MILD; ACYL-CoA DEHYDROGENASE, SHORT-CHAIN, DEFICIENCY OF; ACADS DEFICIENCY. Identifiers: Orphanet 26792, MedGen C0342783, MONDO:0008722, OMIM 201470. Disease mechanism: May be benign.

Allele frequency attached by ClinVar (database versions not stated): gnomAD exomes 0.46628 and 0.52093; ESP Exome Variant Server 0.50677; gnomAD 0.51709 and 0.52172; TOPMed 0.53120; ExAC 0.57060; 1000 Genomes Project 30x 0.58916; 1000 Genomes Project 0.59065.
gnomAD v4.1: 753,214 of 1,593,530 alleles (47%); highest among the groups gnomAD compares: South Asian, 65%; 182,141 homozygotes.

Submissions (10):

Labcorp Genetics (formerly Invitae), Labcorp
Classification: Benign for Deficiency of butyryl-CoA dehydrogenase. Last evaluated: 2026-02-04. Review status: criteria provided, single submitter. Criteria: Invitae Variant Classification Sherloc (09022015). Collection method: clinical testing. Allele origin: germline.

Women's Health and Genetics/Laboratory Corporation of America, LabCorp
Classification: Benign. Last evaluated: 2025-12-11. Review status: criteria provided, single submitter. Criteria: LabCorp Variant Classification Summary - May 2015. Collection method: clinical testing. Allele origin: germline.

Mayo Clinic Laboratories, Mayo Clinic
Classification: Benign. Last evaluated: 2022-03-10. Review status: criteria provided, single submitter. Criteria: ACMG Guidelines, 2015. Collection method: clinical testing. Allele origin: germline. Observed: 621 variant alleles.

Fulgent Genetics
Classification: Benign for Deficiency of butyryl-CoA dehydrogenase. Last evaluated: 2021-07-19. Review status: criteria provided, single submitter. Criteria: ACMG Guidelines, 2015. Collection method: clinical testing. Allele origin: unknown.

Genome-Nilou Lab
Classification: Benign for Deficiency of butyryl-CoA dehydrogenase. Last evaluated: 2021-07-14. Review status: criteria provided, single submitter. Criteria: ACMG Guidelines, 2015. Collection method: clinical testing. Allele origin: germline. Affected: no.

Illumina Laboratory Services, Illumina
Classification: Benign for Deficiency of butyryl-CoA dehydrogenase. Last evaluated: 2018-01-13. Review status: criteria provided, single submitter. Criteria: ICSL Variant Classification Criteria 13 December 2019. Collection method: clinical testing. Allele origin: germline.
Comment: This variant was observed in the ICSL laboratory as part of a predisposition screen in an ostensibly healthy population. It had not been previously curated by ICSL or reported in the Human Gene Mutation Database (HGMD: prior to June 1st, 2018), and was therefore a candidate for classification through an automated scoring system. Utilizing variant allele frequency, disease prevalence and penetrance estimates, and inheritance mode, an automated score was calculated to assess if this variant is too frequent to cause the disease. Based on the score and internal cut-off values, a variant classified as benign is not then subjected to further curation. The score for this variant resulted in a classification of benign for this disease.

Eurofins Ntd Llc (ga)
Classification: Benign. Last evaluated: 2017-01-05. Review status: criteria provided, single submitter. Criteria: EGL Classification Definitions 2015. Collection method: clinical testing. Allele origin: germline. Observed: 1 variant allele, 1 heterozygote.

GeneDx
Classification: Benign. Last evaluated: 2013-05-29. Review status: criteria provided, single submitter. Criteria: GeneDx Variant Classification (06012015). Collection method: clinical testing. Allele origin: germline. Affected: yes.
Comment: This variant is considered likely benign or benign based on one or more of the following criteria: it is a conservative change, it occurs at a poorly conserved position in the protein, it is predicted to be benign by multiple in silico algorithms, and/or has population frequency not consistent with disease.

Breakthrough Genomics
Classification: Benign. Review status: criteria provided, single submitter. Criteria: ACMG Guidelines, 2015. Collection method: not provided. Allele origin: germline. Inheritance: Autosomal recessive inheritance. Affected: yes.

PreventionGenetics, part of Exact Sciences
Classification: Benign. Review status: criteria provided, single submitter. Criteria: ACMG Guidelines, 2015. Collection method: clinical testing. Allele origin: germline.

NM_000017.4(ACADS):c.321T>C (p.Arg107=)

Gene: ACADS (acyl-CoA dehydrogenase short chain; plus strand). Cytogenetic location: 12q24.31.
Variant type: single nucleotide variant.
Coding change: c.321T>C on transcript NM_000017.4 (MANE Select); coding-DNA position 321, T replaced by C.
Protein change: p.Arg107=; no amino-acid change (arginine 107 retained).
Molecular consequence: synonymous variant.
Genome position (GRCh38, 1-based): chr12:120,737,096, T>C. VCF-style: chr12-120737096-T-C. GRCh37 (hg19) VCF-style: chr12-121174899-T-C.
Other names: p.R107R:CGT>CGC; p.Arg107=; c.321T>C, p.Arg107= (NM_001302554.2).
Identifiers: ClinVar variation 136259 (VCV000136259.24), dbSNP rs3914, ClinGen allele CA289253.